The following is an entry in ClinVar:

ClinVar aggregate classification (germline): Pathogenic/Likely pathogenic. Review status: criteria provided, multiple submitters, no conflicts (2 of 4 stars). 3 submissions from 3 submitters: Pathogenic (1); Likely pathogenic (1). 1 of the submissions does not count toward it. Last evaluated 2022-02-18.

Conditions:
Joubert syndrome 34. Identifiers: MedGen C4539386, MONDO:0800383.
Joubert syndrome and related disorders. Identifiers: Orphanet 140874, MedGen C5679612, MONDO:0015369.
Joubert syndrome. Also called: CEREBELLOPARENCHYMAL DISORDER IV; JOUBERT-BOLTSHAUSER SYNDROME; Familial aplasia of the vermis. Identifiers: Orphanet 475, MedGen C5979921, MONDO:0018772.

Allele frequency attached by ClinVar (database versions not stated): gnomAD exomes below 0.00001; ExAC 0.00001.
gnomAD v4.1: 1 of 1,614,064 alleles (0.000062%); highest among the groups gnomAD compares: Non-Finnish European, 0.000085%; no homozygotes.

Submissions (3):

Women's Health and Genetics/Laboratory Corporation of America, LabCorp
Classification: Likely pathogenic for Joubert syndrome and related disorders. Last evaluated: 2022-02-18. Review status: criteria provided, single submitter. Criteria: LabCorp Variant Classification Summary - May 2015. Collection method: clinical testing. Allele origin: germline.
Comment: Variant summary: B9D2 c.463G>A (p.Gly155Ser) results in a non-conservative amino acid change in the encoded protein sequence. Five of five in-silico tools predict a damaging effect of the variant on protein function. The variant allele was found at a frequency of 4e-06 in 250880 control chromosomes (gnomAD). The variant, c.463G>A, has been reported in the literature in a compound heterozygous individual affected with Joubert Syndrome, who carried the variant c.220C>T (p.Pro74Ser) in trans (Bachmann-Gagescu_2015). A recent publication reported experimental evidence characterizing both variants alone and together in a C. elegans model system, and demonstrated that the cellular level, localization and function were moderately (P74S) or severely (G155S) altered, confirming that both variant alleles are pathogenic in worms, and compound heterozygous worms phenocopy worms homozygous for P74S (Lange_2021). One clinical diagnostic laboratory has submitted clinical-significance assessments for this variant to ClinVar after 2014 without evidence for independent evaluation, and classified the variant as pathogenic. Based on the evidence outlined above, the variant was classified as likely pathogenic.

UW Hindbrain Malformation Research Program, University of Washington
Classification: Pathogenic for Joubert syndrome. Last evaluated: 2015-02-23. Review status: criteria provided, single submitter. Criteria: Bachmann-Gagescu et al. (J Med Genet. 2015). Collection method: research. Allele origin: unknown. Affected: yes.

OMIM
Classification: Pathogenic for JOUBERT SYNDROME 34. Last evaluated: 2015-08-01. Review status: no assertion criteria provided. Collection method: literature only. Allele origin: germline. Not counted in ClinVar's aggregate classification.

Literature cited by the submitters: PubMed 26092869 (cited by Women's Health and Genetics/Laboratory Corporation of America, LabCorp and OMIM); PubMed 28771248 (cited by Women's Health and Genetics/Laboratory Corporation of America, LabCorp); PubMed 33234550 (cited by Women's Health and Genetics/Laboratory Corporation of America, LabCorp).

NM_030578.4(B9D2):c.463G>A (p.Gly155Ser)

Gene: B9D2 (B9 domain containing 2; minus strand). Cytogenetic location: 19q13.2.
Variant type: single nucleotide variant.
Coding change: c.463G>A on transcript NM_030578.4 (MANE Select); coding-DNA position 463, G replaced by A.
Protein change: p.Gly155Ser; replaces glycine 155 with serine.
Molecular consequence: missense variant.
Genome position (GRCh38, 1-based): chr19:41,354,765, C>T on the plus strand (G>A on the coding strand, the complement: B9D2 is on the minus strand). VCF-style: chr19-41354765-C-T. GRCh37 (hg19) VCF-style: chr19-41860670-C-T.
Other names: B9D2, GLY155SER; short protein forms G155S.
Identifiers: ClinVar variation 217556 (VCV000217556.3), dbSNP rs750436680, ClinGen allele CA210341.